The following is an entry in ClinVar:

NM_005502.4(ABCA1):c.3103+4C>A

Gene: ABCA1 (ATP binding cassette subfamily A member 1; minus strand). Cytogenetic location: 9q31.1.
Variant type: single nucleotide variant.
Coding change: c.3103+4C>A on transcript NM_005502.4 (MANE Select); 4 bases into the intron after coding-DNA position 3103, C replaced by A.
Molecular consequence: intron variant.
Genome position (GRCh38, 1-based): chr9:104,819,923, G>T on the plus strand (C>A on the coding strand, the complement: ABCA1 is on the minus strand). VCF-style: chr9-104819923-G-T. GRCh37 (hg19) VCF-style: chr9-107582204-G-T.
Identifiers: ClinVar variation 1492215 (VCV001492215.6), dbSNP rs1259056486, ClinGen allele CA1127657909.

ClinVar aggregate classification (germline): Uncertain significance (1 of 4 stars; one submission).

Allele frequency attached by ClinVar (database versions not stated): TOPMed below 0.00001; gnomAD 0.00001.
gnomAD v4.1: 3 of 1,612,204 alleles (0.00019%); highest among the groups gnomAD compares: Non-Finnish European, 0.00017%; no homozygotes.

Submission:

Labcorp Genetics (formerly Invitae), Labcorp
Classification: Uncertain significance. Last evaluated: 2023-11-01. Review status: criteria provided, single submitter. Criteria: Invitae Variant Classification Sherloc (09022015). Collection method: clinical testing. Allele origin: germline.
Comment: This sequence change falls in intron 21 of the ABCA1 gene. It does not directly change the encoded amino acid sequence of the ABCA1 protein. It affects a nucleotide within the consensus splice site. This variant is not present in population databases (gnomAD no frequency). This variant has not been reported in the literature in individuals affected with ABCA1-related conditions. ClinVar contains an entry for this variant (Variation ID: 1492215). Variants that disrupt the consensus splice site are a relatively common cause of aberrant splicing (PMID: 17576681, 9536098). Algorithms developed to predict the effect of sequence changes on RNA splicing suggest that this variant is not likely to affect RNA splicing. In summary, the available evidence is currently insufficient to determine the role of this variant in disease. Therefore, it has been classified as a Variant of Uncertain Significance.

Literature cited by the submitters: PubMed 17576681; PubMed 9536098.